The following is an entry in ClinVar:

NM_139076.3(ABRAXAS1):c.659C>T (p.Ala220Val)

Gene: ABRAXAS1 (abraxas 1, BRCA1 A complex subunit; minus strand). Cytogenetic location: 4q21.23.
Variant type: single nucleotide variant.
Coding change: c.659C>T on transcript NM_139076.3 (MANE Select); coding-DNA position 659, C replaced by T.
Protein change: p.Ala220Val; replaces alanine 220 with valine.
Molecular consequence: missense variant.
Genome position (GRCh38, 1-based): chr4:83,467,476, G>A on the plus strand (C>T on the coding strand, the complement: ABRAXAS1 is on the minus strand). VCF-style: chr4-83467476-G-A. GRCh37 (hg19) VCF-style: chr4-84388629-G-A.
Other names: c.332C>T, p.Ala111Val (NM_001345962.2); short protein forms A111V, A220V.
Identifiers: ClinVar variation 651714 (VCV000651714.13), dbSNP rs568225415, ClinGen allele CA2990489.

ClinVar aggregate classification (germline): Uncertain significance. Review status: criteria provided, multiple submitters, no conflicts (2 of 4 stars). 3 submissions from 3 submitters: Uncertain significance (3). Last evaluated 2026-05-18.

Allele frequency attached by ClinVar (database versions not stated): gnomAD 0.00005; TOPMed 0.00005; gnomAD exomes 0.00006 and 0.00004; 1000 Genomes Project 0.00020; ExAC 0.00004; 1000 Genomes Project 30x 0.00031.
gnomAD v4.1: 62 of 1,550,506 alleles (0.004%); highest among the groups gnomAD compares: Admixed American, 0.01%; no homozygotes.

Submissions (3):

Women's Health and Genetics/Laboratory Corporation of America, LabCorp
Classification: Uncertain significance. Last evaluated: 2026-05-18. Review status: criteria provided, single submitter. Criteria: LabCorp Variant Classification Summary - May 2015. Collection method: clinical testing. Allele origin: germline.
Comment: Variant summary: FAM175A c.659C>T (p.Ala220Val) results in a non-conservative amino acid change in the encoded protein sequence. Four of five in-silico tools predict a benign effect of the variant on protein function. The variant allele was found at a frequency of 6.1e-05 in 246722 control chromosomes, predominantly at a frequency of 0.00021 within the Latino subpopulation in the gnomAD database. The available data on variant occurrences in the general population are insufficient to allow any conclusion about variant significance. c.659C>T has been reported in the literature in one individuals affected with Breast Cancer but also in one control subject (Renault_2016). These report(s) do not provide unequivocal conclusions about association of the variant with Hereditary Breast And Ovarian Cancer Syndrome. To our knowledge, no experimental evidence demonstrating an impact on protein function has been reported. The following publication has been ascertained in the context of this evaluation (PMID: 27270457). ClinVar contains an entry for this variant (Variation ID: 651714). Based on the evidence outlined above, the variant was classified as uncertain significance.

Ambry Genetics
Classification: Uncertain significance. Last evaluated: 2024-12-03. Review status: criteria provided, single submitter. Criteria: Ambry Variant Classification Scheme 2023. Collection method: clinical testing. Allele origin: germline.
Comment: The p.A220V variant (also known as c.659C>T), located in coding exon 7 of the FAM175A gene, results from a C to T substitution at nucleotide position 659. The alanine at codon 220 is replaced by valine, an amino acid with similar properties. This amino acid position is conserved. In addition, this alteration is predicted to be tolerated by in silico analysis. Since supporting evidence is limited at this time, the clinical significance of this alteration remains unclear.

Labcorp Genetics (formerly Invitae), Labcorp
Classification: Uncertain significance. Last evaluated: 2024-09-10. Review status: criteria provided, single submitter. Criteria: Invitae Variant Classification Sherloc (09022015). Collection method: clinical testing. Allele origin: germline.
Comment: This sequence change replaces alanine, which is neutral and non-polar, with valine, which is neutral and non-polar, at codon 220 of the ABRAXAS1 protein (p.Ala220Val). This variant is present in population databases (rs568225415, gnomAD 0.02%). This missense change has been observed in individual(s) with breast cancer (PMID: 27270457). ClinVar contains an entry for this variant (Variation ID: 651714). Invitae Evidence Modeling of protein sequence and biophysical properties (such as structural, functional, and spatial information, amino acid conservation, physicochemical variation, residue mobility, and thermodynamic stability) indicates that this missense variant is not expected to disrupt ABRAXAS1 protein function with a negative predictive value of 80%. In summary, the available evidence is currently insufficient to determine the role of this variant in disease. Therefore, it has been classified as a Variant of Uncertain Significance.

Literature cited by the submitters: PubMed 27270457 (cited by Women's Health and Genetics/Laboratory Corporation of America, LabCorp and Labcorp Genetics (formerly Invitae), Labcorp).